The following is an entry in ClinVar:

NM_000334.4(SCN4A):c.5343C>T (p.Gly1781=)

Genes: GH-LCR (growth hormone locus control region; plus strand), SCN4A (sodium voltage-gated channel alpha subunit 4; minus strand). Cytogenetic location: 17q23.3.
Variant type: single nucleotide variant.
Coding change: c.5343C>T on transcript NM_000334.4 (MANE Select); coding-DNA position 5343, C replaced by T.
Protein change: p.Gly1781=; no amino-acid change (glycine 1781 retained).
Molecular consequence: synonymous variant.
Genome position (GRCh38, 1-based): chr17:63,940,939, G>A on the plus strand (C>T on the coding strand, the complement: SCN4A is on the minus strand). VCF-style: chr17-63940939-G-A. GRCh37 (hg19) VCF-style: chr17-62018299-G-A.
Identifiers: ClinVar variation 511725 (VCV000511725.13), dbSNP rs745441690, ClinGen allele CA8708780.

ClinVar aggregate classification (germline): Likely benign. Review status: criteria provided, multiple submitters, no conflicts (2 of 4 stars). 4 submissions from 4 submitters: Likely benign (4). Last evaluated 2026-05-01.

Conditions:
Hyperkalemic periodic paralysis. Also called: Familial hyperkalemic periodic paralysis; Gamstorp disease. Identifiers: Orphanet 682, MedGen C0238357, MONDO:0008224, OMIM 170500, HP:0007215.

Allele frequency attached by ClinVar (database versions not stated): TOPMed 0.00001; ExAC 0.00005; gnomAD 0.00005; gnomAD exomes 0.00005.

Submissions (4):

CeGaT Center for Human Genetics Tuebingen
Classification: Likely benign. Last evaluated: 2026-05-01. Review status: criteria provided, single submitter. Criteria: CeGaT Center For Human Genetics Tuebingen Variant Classification Criteria Version 2. Collection method: clinical testing. Allele origin: germline. Affected: yes. Observed: 1 variant allele.
Comment: SCN4A: BP4, BP7

Labcorp Genetics (formerly Invitae), Labcorp
Classification: Likely benign for Hyperkalemic periodic paralysis. Last evaluated: 2026-01-28. Review status: criteria provided, single submitter. Criteria: Invitae Variant Classification Sherloc (09022015). Collection method: clinical testing. Allele origin: germline.

Blueprint Genetics
Classification: Likely benign. Last evaluated: 2024-07-05. Review status: criteria provided, single submitter. Criteria: ACMG Guidelines, 2015. Collection method: clinical testing. Allele origin: germline.

GeneDx
Classification: Likely benign. Last evaluated: 2017-08-28. Review status: criteria provided, single submitter. Criteria: GeneDx Variant Classification (06012015). Collection method: clinical testing. Allele origin: germline. Affected: yes.
Comment: This variant is considered likely benign or benign based on one or more of the following criteria: it is a conservative change, it occurs at a poorly conserved position in the protein, it is predicted to be benign by multiple in silico algorithms, and/or has population frequency not consistent with disease.